The following is an entry in ClinVar:

ClinVar aggregate classification (germline): Uncertain significance. Review status: criteria provided, multiple submitters, no conflicts (2 of 4 stars). 6 submissions from 6 submitters: Uncertain significance (6). Last evaluated 2025-11-17.

Conditions:
HARS2-related disorder. Also called: HARS2-related condition.
Inborn genetic diseases. Identifiers: MedGen C0950123, MeSH D030342.

Allele frequency attached by ClinVar (database versions not stated): 1000 Genomes Project 30x 0.00016; ExAC 0.00018; 1000 Genomes Project 0.00020; gnomAD exomes 0.00021 and 0.00051; gnomAD 0.00029 and 0.00030; ESP Exome Variant Server 0.00031; TOPMed 0.00037.
gnomAD v4.1: 783 of 1,614,162 alleles (0.049%); highest among the groups gnomAD compares: Non-Finnish European, 0.061%; no homozygotes.

Submissions (6):

PreventionGenetics, part of Exact Sciences
Classification: Uncertain significance for HARS2-related condition. Last evaluated: 2025-11-17. Review status: criteria provided, single submitter. Criteria: ACMG Guidelines, 2015. Collection method: clinical testing. Allele origin: germline.
Comment: The HARS2 c.956T>C variant is predicted to result in the amino acid substitution p.Ile319Thr. To our knowledge, this variant has not been reported in the literature. This variant is reported in 0.039% of alleles in individuals of Ashkenazi Jewish descent in gnomAD. At this time, the clinical significance of this variant is uncertain due to the absence of conclusive functional and genetic evidence.

GeneDx
Classification: Uncertain significance. Last evaluated: 2024-11-27. Review status: criteria provided, single submitter. Criteria: GeneDx Variant Classification Process June 2021. Collection method: clinical testing. Allele origin: germline. Affected: yes.
Comment: In silico analysis supports that this missense variant has a deleterious effect on protein structure/function; Has not been previously published as pathogenic or benign to our knowledge

Blueprint Genetics
Classification: Uncertain significance. Last evaluated: 2024-09-11. Review status: criteria provided, single submitter. Criteria: ACMG Guidelines, 2015. Collection method: clinical testing. Allele origin: germline.

Labcorp Genetics (formerly Invitae), Labcorp
Classification: Uncertain significance. Last evaluated: 2024-06-28. Review status: criteria provided, single submitter. Criteria: Invitae Variant Classification Sherloc (09022015). Collection method: clinical testing. Allele origin: germline.
Comment: This sequence change replaces isoleucine, which is neutral and non-polar, with threonine, which is neutral and polar, at codon 319 of the HARS2 protein (p.Ile319Thr). This variant is present in population databases (rs74755920, gnomAD 0.04%). This variant has not been reported in the literature in individuals affected with HARS2-related conditions. ClinVar contains an entry for this variant (Variation ID: 214545). An algorithm developed to predict the effect of missense changes on protein structure and function (PolyPhen-2) suggests that this variant¬¨‚Ä†is likely to be tolerated. In summary, the available evidence is currently insufficient to determine the role of this variant in disease. Therefore, it has been classified as a Variant of Uncertain Significance.

Ambry Genetics
Classification: Uncertain significance for Inborn genetic diseases. Last evaluated: 2021-06-18. Review status: criteria provided, single submitter. Criteria: Ambry Variant Classification Scheme 2023. Collection method: clinical testing. Allele origin: germline.

Eurofins Ntd Llc (ga)
Classification: Uncertain significance. Last evaluated: 2015-09-14. Review status: criteria provided, single submitter. Criteria: EGL Classification Definitions 2015. Collection method: clinical testing. Allele origin: germline. Observed: 1 variant allele, 1 heterozygote.

NM_012208.4(HARS2):c.956T>C (p.Ile319Thr)

Gene: HARS2 (histidyl-tRNA synthetase 2, mitochondrial; plus strand). Cytogenetic location: 5q31.3.
Variant type: single nucleotide variant.
Coding change: c.956T>C on transcript NM_012208.4 (MANE Select); coding-DNA position 956, T replaced by C.
Protein change: p.Ile319Thr; replaces isoleucine 319 with threonine.
Molecular consequence: missense variant.
Genome position (GRCh38, 1-based): chr5:140,697,165, T>C. VCF-style: chr5-140697165-T-C. GRCh37 (hg19) VCF-style: chr5-140076750-T-C.
Other names: p.I319T:ATC>ACC; c.881T>C, p.Ile294Thr (NM_001278731.2); c.524T>C, p.Ile175Thr (NM_001278732.2); c.974T>C, p.Ile325Thr (NM_001363535.2); c.746T>C, p.Ile249Thr (NM_001363536.2); c.956T>C (NM_012208.3); short protein forms I319T, I325T, I294T, I249T, I175T.
Identifiers: ClinVar variation 214545 (VCV000214545.20), dbSNP rs74755920, ClinGen allele CA321328.